The following is an entry in ClinVar:

ClinVar aggregate classification (germline): Uncertain significance. Review status: criteria provided, multiple submitters, no conflicts (2 of 4 stars). 3 submissions from 3 submitters: Uncertain significance (3). Last evaluated 2023-10-03.

Allele frequency attached by ClinVar (database versions not stated): gnomAD exomes 0.00009 and 0.00014; TOPMed 0.00011; gnomAD 0.00012 and 0.00013; ExAC 0.00015; ESP Exome Variant Server 0.00016.

Submissions (3):

Labcorp Genetics (formerly Invitae), Labcorp
Classification: Uncertain significance. Last evaluated: 2023-10-03. Review status: criteria provided, single submitter. Criteria: Invitae Variant Classification Sherloc (09022015). Collection method: clinical testing. Allele origin: germline.
Comment: This sequence change replaces aspartic acid, which is acidic and polar, with asparagine, which is neutral and polar, at codon 315 of the KIAA1161 protein (p.Asp315Asn). This variant is present in population databases (rs41312814, gnomAD 0.04%). This variant has not been reported in the literature in individuals affected with KIAA1161-related conditions. ClinVar contains an entry for this variant (Variation ID: 1681308). Advanced modeling of protein sequence and biophysical properties (such as structural, functional, and spatial information, amino acid conservation, physicochemical variation, residue mobility, and thermodynamic stability) performed at Invitae indicates that this missense variant is not expected to disrupt KIAA1161 protein function. In summary, the available evidence is currently insufficient to determine the role of this variant in disease. Therefore, it has been classified as a Variant of Uncertain Significance.

Ambry Genetics
Classification: Uncertain significance. Last evaluated: 2021-09-16. Review status: criteria provided, single submitter. Criteria: Ambry Variant Classification Scheme 2023. Collection method: clinical testing. Allele origin: germline.

Breakthrough Genomics
Classification: Uncertain significance. Review status: criteria provided, single submitter. Criteria: ACMG Guidelines, 2015. Collection method: not provided. Allele origin: germline. Inheritance: Autosomal recessive inheritance. Affected: yes.

NM_020702.5(MYORG):c.943G>A (p.Asp315Asn)

Gene: MYORG (myogenesis regulating glycosidase; minus strand). Cytogenetic location: 9p13.3.
Variant type: single nucleotide variant.
Coding change: c.943G>A on transcript NM_020702.5 (MANE Select); coding-DNA position 943, G replaced by A.
Protein change: p.Asp315Asn; replaces aspartic acid 315 with asparagine.
Molecular consequence: missense variant.
Genome position (GRCh38, 1-based): chr9:34,372,001, C>T on the plus strand (G>A on the coding strand, the complement: MYORG is on the minus strand). VCF-style: chr9-34372001-C-T. GRCh37 (hg19) VCF-style: chr9-34371999-C-T.
Other names: c.943G>A (NM_020702.3); short protein forms D315N.
Identifiers: ClinVar variation 1681308 (VCV001681308.6), dbSNP rs41312814, ClinGen allele CA5033039.